The following is an entry in ClinVar:

NM_000051.4(ATM):c.8726G>A (p.Arg2909Lys)

Genes: ATM (ATM serine/threonine kinase; plus strand), C11orf65 (chromosome 11 open reading frame 65; minus strand). Cytogenetic location: 11q22.3.
Variant type: single nucleotide variant.
Coding change: c.8726G>A on transcript NM_000051.4 (MANE Select); coding-DNA position 8726, G replaced by A.
Protein change: p.Arg2909Lys; replaces arginine 2909 with lysine.
Molecular consequence: missense variant. On other transcripts: intron variant (2).
Genome position (GRCh38, 1-based): chr11:108,353,820, G>A. VCF-style: chr11-108353820-G-A. GRCh37 (hg19) VCF-style: chr11-108224547-G-A.
Other names: c.8726G>A, p.Arg2909Lys (NM_001351834.2); c.640+32100C>T (NM_001330368.2); c.695-18528C>T (NM_001351110.2); short protein forms R2909K.
Identifiers: ClinVar variation 955872 (VCV000955872.10), dbSNP rs759905760, ClinGen allele CA6266429.

ClinVar aggregate classification (germline): Uncertain significance. Review status: criteria provided, multiple submitters, no conflicts (2 of 4 stars). 2 submissions from 2 submitters: Uncertain significance (2). Last evaluated 2025-10-06.

Conditions:
Hereditary cancer-predisposing syndrome. Also called: Tumor predisposition; Neoplastic Syndromes, Hereditary; Hereditary neoplastic syndrome; Hereditary Cancer Syndrome. Identifiers: Orphanet 140162, MedGen C0027672, MeSH D009386, MONDO:0015356.
Ataxia-telangiectasia syndrome (AT). Also called: Ataxia-telangiectasia, complementation group D; AT, COMPLEMENTATION GROUP C; ATAXIA-TELANGIECTASIA, COMPLEMENTATION GROUP A; ATAXIA-TELANGIECTASIA, FRESNO VARIANT; Ataxia-telangiectasia; Ataxia telangiectasia (A-T). Identifiers: Orphanet 100, MedGen C0004135, MONDO:0008840, OMIM 208900.

Allele frequency attached by ClinVar (database versions not stated): gnomAD exomes below 0.00001; ExAC 0.00001.
gnomAD v4.1: 1 of 1,614,032 alleles (0.000062%); highest among the groups gnomAD compares: South Asian, 0.0011%; no homozygotes.

Submissions (2):

Ambry Genetics
Classification: Uncertain significance for Hereditary cancer-predisposing syndrome. Last evaluated: 2025-10-06. Review status: criteria provided, single submitter. Criteria: Ambry Variant Classification Scheme 2023. Collection method: clinical testing. Allele origin: germline.
Comment: The p.R2909K variant (also known as c.8726G>A), located in coding exon 59 of the ATM gene, results from a G to A substitution at nucleotide position 8726. The arginine at codon 2909 is replaced by lysine, an amino acid with highly similar properties. This amino acid position is highly conserved in available vertebrate species. In addition, this alteration is predicted to be deleterious by in silico analysis. Based on the available evidence, the clinical significance of this variant remains unclear.

Labcorp Genetics (formerly Invitae), Labcorp
Classification: Uncertain significance for Ataxia-telangiectasia syndrome. Last evaluated: 2024-04-08. Review status: criteria provided, single submitter. Criteria: Invitae Variant Classification Sherloc (09022015). Collection method: clinical testing. Allele origin: germline.
Comment: This sequence change replaces arginine, which is basic and polar, with lysine, which is basic and polar, at codon 2909 of the ATM protein (p.Arg2909Lys). This variant is present in population databases (rs759905760, gnomAD 0.003%). This variant has not been reported in the literature in individuals affected with ATM-related conditions. ClinVar contains an entry for this variant (Variation ID: 955872). An algorithm developed to predict the effect of missense changes on protein structure and function (PolyPhen-2) suggests that this variant is likely to be disruptive. In summary, the available evidence is currently insufficient to determine the role of this variant in disease. Therefore, it has been classified as a Variant of Uncertain Significance.